The following is an entry in ClinVar:

NM_014844.5(TECPR2):c.4135C>T (p.Arg1379Trp)

Gene: TECPR2 (tectonin beta-propeller repeat containing 2; plus strand). Cytogenetic location: 14q32.31.
Variant type: single nucleotide variant.
Coding change: c.4135C>T on transcript NM_014844.5 (MANE Select); coding-DNA position 4135, C replaced by T.
Protein change: p.Arg1379Trp; replaces arginine 1379 with tryptophan.
Molecular consequence: missense variant.
Genome position (GRCh38, 1-based): chr14:102,498,156, C>T. VCF-style: chr14-102498156-C-T. GRCh37 (hg19) VCF-style: chr14-102964493-C-T.
Other names: short protein forms R1379W.
Identifiers: ClinVar variation 2040596 (VCV002040596.23), dbSNP rs748297908, ClinGen allele CA7358482.

ClinVar aggregate classification (germline): Uncertain significance. Review status: criteria provided, multiple submitters, no conflicts (2 of 4 stars). 2 submissions from 2 submitters: Uncertain significance (2). Last evaluated 2024-02-01.

Conditions:
Hereditary spastic paraplegia 49 (HSAN9). Also called: Spastic paraplegia 49, autosomal recessive; TECPR2-Related Hereditary Sensory and Autonomic Neuropathy with Intellectual Disability; NEUROPATHY, HEREDITARY SENSORY AND AUTONOMIC, TYPE IX, WITH DEVELOPMENTAL DELAY. Identifiers: Orphanet 320385, MedGen C5190860, MONDO:0014016, OMIM 615031.

Allele frequency attached by ClinVar (database versions not stated): gnomAD 0.00001; TOPMed 0.00003.
gnomAD v4.1: 32 of 1,612,984 alleles (0.002%); highest among the groups gnomAD compares: Admixed American, 0.0017%; no homozygotes.

Submissions (2):

CeGaT Center for Human Genetics Tuebingen
Classification: Uncertain significance. Last evaluated: 2024-02-01. Review status: criteria provided, single submitter. Criteria: CeGaT Center For Human Genetics Tuebingen Variant Classification Criteria Version 2. Collection method: clinical testing. Allele origin: germline. Affected: yes. Observed: 1 variant allele.

Labcorp Genetics (formerly Invitae), Labcorp
Classification: Uncertain significance for Hereditary spastic paraplegia 49. Last evaluated: 2021-08-27. Review status: criteria provided, single submitter. Criteria: Invitae Variant Classification Sherloc (09022015). Collection method: clinical testing. Allele origin: germline.
Comment: This sequence change replaces arginine with tryptophan at codon 1379 of the TECPR2 protein (p.Arg1379Trp). The arginine residue is moderately conserved and there is a moderate physicochemical difference between arginine and tryptophan. This variant is present in population databases (rs748297908, ExAC 0.006%). This variant has not been reported in the literature in individuals affected with TECPR2-related conditions. Algorithms developed to predict the effect of missense changes on protein structure and function are either unavailable or do not agree on the potential impact of this missense change (SIFT: "Deleterious"; PolyPhen-2: "Probably Damaging"; Align-GVGD: "Class C0"). In summary, the available evidence is currently insufficient to determine the role of this variant in disease. Therefore, it has been classified as a Variant of Uncertain Significance.